The following is an entry in ClinVar:

NM_000441.2(SLC26A4):c.841G>A (p.Val281Ile)

Gene: SLC26A4 (solute carrier family 26 member 4; plus strand). Cytogenetic location: 7q22.3.
Variant type: single nucleotide variant.
Coding change: c.841G>A on transcript NM_000441.2 (MANE Select); coding-DNA position 841, G replaced by A.
Protein change: p.Val281Ile; replaces valine 281 with isoleucine.
Molecular consequence: missense variant.
Genome position (GRCh38, 1-based): chr7:107,683,277, G>A. VCF-style: chr7-107683277-G-A. GRCh37 (hg19) VCF-style: chr7-107323722-G-A.
Other names: short protein forms V281I.
Identifiers: ClinVar variation 179723 (VCV000179723.22), dbSNP rs727505080, ClinGen allele CA184997.

ClinVar aggregate classification (germline): Conflicting classifications of pathogenicity. Review status: criteria provided, conflicting classifications (1 of 4 stars). 9 submissions from 8 submitters: Uncertain significance (6); Benign (1); Likely benign (2). Last evaluated 2026-01-25.

Conditions:
SLC26A4-related disorder. Also called: SLC26A4-related condition; SLC26A4-related disorders.
Pendred syndrome (PDS). Also called: THYROID DYSHORMONOGENESIS 2B; THYROID HORMONOGENESIS, GENETIC DEFECT IN, 2B; DEAFNESS WITH GOITER; GOITER-DEAFNESS SYNDROME; HYPOTHYROIDISM, CONGENITAL, DUE TO DYSHORMONOGENESIS, 2B; Pendred's syndrome. Identifiers: Orphanet 705, MedGen C0271829, MONDO:0010134, OMIM 274600.
Autosomal recessive nonsyndromic hearing loss 4 (DFNB4). Also called: Nonsyndromic enlarged vestibular aqueduct (NSEVA); NEUROSENSORY NONSYNDROMIC RECESSIVE DEAFNESS 4; Deafness, autosomal recessive 4, with enlarged vestibular aqueduct; Deafness, autosomal recessive 4; Enlarged vestibular aqueduct, digenic; FOXI1-Related Pendred Syndrome. Identifiers: Orphanet 90636, MedGen C3538946, MONDO:0010933, OMIM 600791.

Allele frequency attached by ClinVar (database versions not stated): gnomAD exomes 0.00007 and 0.00023; gnomAD 0.00009; TOPMed 0.00015; ExAC 0.00021.
gnomAD v4.1: 128 of 1,613,174 alleles (0.0079%); highest among the groups gnomAD compares: Admixed American, 0.083%; no homozygotes.

Submissions (9):

Labcorp Genetics (formerly Invitae), Labcorp
Classification: Likely benign. Last evaluated: 2026-01-25. Review status: criteria provided, single submitter. Criteria: Invitae Variant Classification Sherloc (09022015). Collection method: clinical testing. Allele origin: germline.

PreventionGenetics, part of Exact Sciences
Classification: Uncertain significance for SLC26A4-related condition. Last evaluated: 2025-12-17. Review status: criteria provided, single submitter. Criteria: ACMG Guidelines, 2015. Collection method: clinical testing. Allele origin: germline.
Comment: The SLC26A4 c.841G>A variant is predicted to result in the amino acid substitution p.Val281Ile. This variant was reported along with another SLC26A4 pathogenic variant in an individual with hearing loss (Pourova et al. 2010. PubMed ID: 20597900). This variant is reported in 0.13% of alleles in individuals of Latino descent in gnomAD. At this time, the clinical significance of this variant is uncertain due to the absence of conclusive functional and genetic evidence.

Women's Health and Genetics/Laboratory Corporation of America, LabCorp
Classification: Uncertain significance. Last evaluated: 2022-11-08. Review status: criteria provided, single submitter. Criteria: LabCorp Variant Classification Summary - May 2015. Collection method: clinical testing. Allele origin: germline.
Comment: Variant summary: SLC26A4 c.841G>A (p.Val281Ile) results in a conservative amino acid change located in the SLC26A/SulP transporter domain (IPR011547) of the encoded protein sequence. Five of five in-silico tools predict a benign effect of the variant on protein function. The variant allele was found at a frequency of 0.00023 in 251110 control chromosomes (gnomAD). This frequency is not higher than predicted for a pathogenic variant in SLC26A4 causing Pendred Syndrome (0.00023 vs 0.0035), allowing no conclusion about variant significance. c.841G>A has been reported in the literature in an individual affected with Pendred Syndrome (example: Pourova_2010). These data do not allow any conclusion about variant significance. To our knowledge, no experimental evidence demonstrating an impact on protein function has been reported. Four clinical diagnostic laboratories have submitted clinical-significance assessments for this variant to ClinVar after 2014 and classified the variant as VUS (n=3) and benign (n=1). Based on the evidence outlined above, the variant was classified as uncertain significance.

Genome-Nilou Lab
Classification: Uncertain significance for Autosomal recessive nonsyndromic hearing loss 4. Last evaluated: 2021-09-05. Review status: criteria provided, single submitter. Criteria: ACMG Guidelines, 2015. Collection method: clinical testing. Allele origin: germline. Affected: no.

Genome-Nilou Lab
Classification: Uncertain significance for Pendred syndrome. Last evaluated: 2021-09-05. Review status: criteria provided, single submitter. Criteria: ACMG Guidelines, 2015. Collection method: clinical testing. Allele origin: germline. Affected: no.

Revvity Omics, Revvity
Classification: Uncertain significance. Last evaluated: 2021-04-26. Review status: criteria provided, single submitter. Criteria: ACMG Guidelines, 2015. Collection method: clinical testing. Allele origin: germline.

Mendelics
Classification: Benign for Pendred syndrome. Last evaluated: 2019-05-28. Review status: criteria provided, single submitter. Criteria: Mendelics Assertion Criteria 2017. Collection method: clinical testing. Allele origin: unknown.

Illumina Laboratory Services, Illumina
Classification: Uncertain significance for Autosomal recessive nonsyndromic hearing loss 4. Last evaluated: 2017-04-27. Review status: criteria provided, single submitter. Criteria: ICSL Variant Classification Criteria 13 December 2019. Collection method: clinical testing. Allele origin: germline.

Laboratory for Molecular Medicine, Mass General Brigham Personalized Medicine
Classification: Likely benign. Last evaluated: 2014-05-06. Review status: criteria provided, single submitter. Criteria: LMM Criteria. Collection method: clinical testing. Allele origin: germline. Observed: 1 variant allele.
Comment: Val281Ile in exon 7 of SLC26A4: This variant has been identified in one individu al with hearing loss who carried a second pathogenic variant in SLC26A4 (Pourova 2010). However, this variant is not expected to have clinical significance due to a lack of conservation across species, including mammals. Many species, inclu ding several primates, carry an isoleucine (Ile) at this position despite high n earby amino acid conservation. In addition, computational prediction tools do no t suggest a high likelihood of impact to the protein.

Literature cited by the submitters: PubMed 30245029 (cited by Women's Health and Genetics/Laboratory Corporation of America, LabCorp); PubMed 20597900 (cited by Women's Health and Genetics/Laboratory Corporation of America, LabCorp).